The following is an entry in ClinVar:

ClinVar aggregate classification (germline): Uncertain significance (1 of 4 stars; one submission).

Conditions:
Long QT syndrome (LQTS). Identifiers: MedGen C0023976, MeSH D008133, MONDO:0002442. Disease mechanism: loss of function. Inheritance: Various modes of inheritance.

Submission:

Labcorp Genetics (formerly Invitae), Labcorp
Classification: Uncertain significance for Long QT syndrome. Last evaluated: 2018-01-07. Review status: criteria provided, single submitter. Criteria: Invitae Variant Classification Sherloc (09022015). Collection method: clinical testing. Allele origin: germline.
Comment: In summary, the available evidence is currently insufficient to determine the role of this variant in disease. Therefore, it has been classified as a Variant of Uncertain Significance. Experimental studies and prediction algorithms are not available for this variant, and the functional significance of the deleted amino acids is currently unknown. This variant has not been reported in the literature in individuals with AKAP9-related disease. This variant is not present in population databases (ExAC no frequency). This variant, c.3643_3648delACTCCT, results in the deletion of 2 amino acids of the AKAP9 protein (p.Thr1215_Pro1216del), but otherwise preserves the integrity of the reading frame.

NM_005751.5(AKAP9):c.3643_3648del (p.Thr1215_Pro1216del)

Gene: AKAP9 (A-kinase anchoring protein 9; plus strand). Cytogenetic location: 7q21.2.
Variant type: Deletion.
Coding change: c.3643_3648del on transcript NM_005751.5 (MANE Select); coding-DNA positions 3643 to 3648, 6 bases deleted (ACTCCT; older notation c.3643_3648delACTCCT).
Protein change: p.Thr1215_Pro1216del.
Molecular consequence: inframe deletion.
Genome position (GRCh38, 1-based): chr7:92,016,159-92,016,164, ACTCCT deleted; deleting any 6 consecutive bases within chr7:92,016,158-92,016,164 gives the same sequence; the c. name uses the placement nearest the transcript's 3' end. VCF-style (leftmost placement, unchanged base first): chr7-92016157-ATACTCC-A. GRCh37 (hg19) VCF-style: chr7-91645471-ATACTCC-A.
Other names: c.3643_3648del, p.Thr1215_Pro1216del (NM_147185.3); c.3643_3648delACTCCT (NM_005751.4).
Identifiers: ClinVar variation 572720 (VCV000572720.7), dbSNP rs1562986062, ClinGen allele CA891842793.